The following is an entry in ClinVar:

ClinVar aggregate classification (germline): Benign/Likely benign. Review status: criteria provided, multiple submitters, no conflicts (2 of 4 stars). 4 submissions from 4 submitters: Benign (1); Likely benign (3). Last evaluated 2026-06-01.

Allele frequency attached by ClinVar (database versions not stated): 1000 Genomes Project 30x 0.00031; 1000 Genomes Project 0.00040; TOPMed 0.00049.
gnomAD v4.1: 216 of 1,613,816 alleles (0.013%); highest among the groups gnomAD compares: Admixed American, 0.36%; 2 homozygotes.

Submissions (4):

CeGaT Center for Human Genetics Tuebingen
Classification: Likely benign. Last evaluated: 2026-06-01. Review status: criteria provided, single submitter. Criteria: CeGaT Center For Human Genetics Tuebingen Variant Classification Criteria Version 2. Collection method: clinical testing. Allele origin: germline. Affected: yes. Observed: 1 variant allele.
Comment: TECTA: BP4, BP7

Labcorp Genetics (formerly Invitae), Labcorp
Classification: Benign. Last evaluated: 2025-12-18. Review status: criteria provided, single submitter. Criteria: Invitae Variant Classification Sherloc (09022015). Collection method: clinical testing. Allele origin: germline.

GeneDx
Classification: Likely benign. Last evaluated: 2021-09-15. Review status: criteria provided, single submitter. Criteria: GeneDx Variant Classification Process June 2021. Collection method: clinical testing. Allele origin: germline. Affected: yes.

Eurofins Ntd Llc (ga)
Classification: Likely benign. Last evaluated: 2016-08-11. Review status: criteria provided, single submitter. Criteria: EGL Classification Definitions 2015. Collection method: clinical testing. Allele origin: germline. Observed: 1 variant allele, 1 heterozygote.

NM_005422.4(TECTA):c.6402G>T (p.Thr2134=)

Genes: TBCEL-TECTA (TBCEL-TECTA readthrough; plus strand), TECTA (tectorin alpha; plus strand). Cytogenetic location: 11q23.3.
Variant type: single nucleotide variant.
Coding change: c.6402G>T on transcript NM_005422.4 (MANE Select); coding-DNA position 6402, G replaced by T.
Protein change: p.Thr2134=; no amino-acid change (threonine 2134 retained).
Molecular consequence: synonymous variant.
Genome position (GRCh38, 1-based): chr11:121,190,740, G>T. VCF-style: chr11-121190740-G-T. GRCh37 (hg19) VCF-style: chr11-121061449-G-T.
Other names: c.7344G>T, p.Thr2448= (NM_001378761.1).
Identifiers: ClinVar variation 289711 (VCV000289711.19), dbSNP rs141203939, ClinGen allele CA6327986.
Genomic context (GRCh38, chr11:121,190,740, plus strand): 5'-CTTACTGTGTTCCTCTCTGTTTACAGCCTCTAATTCTTCAATGGAACTTCAAGTCTGGAC[G>T]CTTCTTCTCATCATGATCCAGATTTCATTATGGCATTTTGTCTATAAATCAGGCACGACC-3'
Protein context (NP_005413.2, residues 2124-2144): SNSSMELQVW[Thr2134=]LLLIMIQISL